The following is an entry in ClinVar:

NM_004859.4(CLTC):c.187C>G (p.Arg63Gly)

Gene: CLTC (clathrin heavy chain; plus strand). Cytogenetic location: 17q23.1.
Variant type: single nucleotide variant.
Coding change: c.187C>G on transcript NM_004859.4 (MANE Select); coding-DNA position 187, C replaced by G.
Protein change: p.Arg63Gly; replaces arginine 63 with glycine.
Molecular consequence: missense variant.
Genome position (GRCh38, 1-based): chr17:59,644,420, C>G. VCF-style: chr17-59644420-C-G. GRCh37 (hg19) VCF-style: chr17-57721781-C-G.
Other names: c.187C>G, p.Arg63Gly (NM_001288653.2); short protein forms R63G.
Identifiers: ClinVar variation 1484802 (VCV001484802.6), dbSNP rs1598211790, ClinGen allele CA400418950.

ClinVar aggregate classification (germline): Uncertain significance (1 of 4 stars; one submission).

Submission:

Labcorp Genetics (formerly Invitae), Labcorp
Classification: Uncertain significance. Last evaluated: 2021-08-19. Review status: criteria provided, single submitter. Criteria: Invitae Variant Classification Sherloc (09022015). Collection method: clinical testing. Allele origin: germline.
Comment: In summary, the available evidence is currently insufficient to determine the role of this variant in disease. Therefore, it has been classified as a Variant of Uncertain Significance. Algorithms developed to predict the effect of missense changes on protein structure and function are either unavailable or do not agree on the potential impact of this missense change (SIFT: "Deleterious"; PolyPhen-2: "Not Available"; Align-GVGD: "Class C0"). This variant has not been reported in the literature in individuals affected with CLTC-related conditions. This variant is not present in population databases (ExAC no frequency). This sequence change replaces arginine with glycine at codon 63 of the CLTC protein (p.Arg63Gly). The arginine residue is highly conserved and there is a moderate physicochemical difference between arginine and glycine.